The following is an entry in ClinVar:

NM_000096.4(CP):c.70T>C (p.Tyr24His)

Gene: CP (ceruloplasmin; minus strand). Cytogenetic location: 3q25.1.
Variant type: single nucleotide variant.
Coding change: c.70T>C on transcript NM_000096.4 (MANE Select); coding-DNA position 70, T replaced by C.
Protein change: p.Tyr24His; replaces tyrosine 24 with histidine.
Molecular consequence: missense variant. On other transcripts: non-coding transcript variant (1).
Genome position (GRCh38, 1-based): chr3:149,221,723, A>G on the plus strand (T>C on the coding strand, the complement: CP is on the minus strand). VCF-style: chr3-149221723-A-G. GRCh37 (hg19) VCF-style: chr3-148939510-A-G.
Other names: short protein forms Y24H.
Identifiers: ClinVar variation 3360128 (VCV003360128.1).

ClinVar aggregate classification (germline): Uncertain significance (1 of 4 stars; one submission).

gnomAD v4.1: 5 of 1,613,320 alleles (0.00031%); highest among the groups gnomAD compares: African/African-American, 0.0013%; no homozygotes.

Submission:

GeneDx
Classification: Uncertain significance. Last evaluated: 2023-06-25. Review status: criteria provided, single submitter. Criteria: GeneDx Variant Classification Process June 2021. Collection method: clinical testing. Allele origin: germline. Affected: yes.
Comment: Not observed at significant frequency in large population cohorts (gnomAD); In silico analysis supports that this missense variant has a deleterious effect on protein structure/function; Has not been previously published as pathogenic or benign to our knowledge